The following is an entry in ClinVar:

NM_000540.3(RYR1):c.12700G>C (p.Val4234Leu)

Gene: RYR1 (ryanodine receptor 1; plus strand). Cytogenetic location: 19q13.2.
Variant type: single nucleotide variant.
Coding change: c.12700G>C on transcript NM_000540.3 (MANE Select); coding-DNA position 12700, G replaced by C.
Protein change: p.Val4234Leu; replaces valine 4234 with leucine.
Molecular consequence: missense variant.
Genome position (GRCh38, 1-based): chr19:38,565,034, G>C. VCF-style: chr19-38565034-G-C. GRCh37 (hg19) VCF-style: chr19-39055674-G-C.
Other names: c.12700G>C (NM_000540.2); c.12685G>C, p.Val4229Leu (NM_001042723.2); short protein forms V4234L, V4229L.
Identifiers: ClinVar variation 133040 (VCV000133040.13), dbSNP rs193922852, ClinGen allele CA024001.

ClinVar aggregate classification (germline): Pathogenic. Review status: reviewed by expert panel (3 of 4 stars). 8 submissions from 8 submitters: Pathogenic (1). 7 of the submissions do not count toward it. Last evaluated 2026-03-05.

Conditions:
RYR1-related disorder. Also called: RYR1-related disorders; RYR1-related condition. Identifiers: MedGen CN239331.
Malignant hyperthermia of anesthesia. Also called: Anesthesic-triggered malignant hyperthermia. Identifiers: Orphanet 423, MedGen C0024591, MONDO:0018493, HP:0034733.
Malignant hyperthermia, susceptibility to, 1 (MHS1). Also called: Anesthesia related hyperthermia; Malignant hyperpyrexia; Fulminating hyperpyrexia; Pharmacogenic myopathy; RYR1-Related Malignant Hyperthermia Susceptibility; Malignant hyperthermia suceptibility 1. Identifiers: Orphanet 423, MedGen C2930980, MONDO:0007783, OMIM 145600.

Submissions (8):

ClinGen Malignant Hyperthermia Susceptibility Variant Curation Expert Panel, ClinGen
Classification: Pathogenic for Malignant hyperthermia of anesthesia. Last evaluated: 2026-03-05. Review status: reviewed by expert panel. Criteria: ClinGen MHS ACMG Specifications V2. Collection method: curation. Allele origin: germline. Inheritance: Autosomal dominant inheritance.
Comment: This pathogenicity assessment is relevant only for malignant hyperthermia susceptibility (MHS) inherited in an autosomal dominant pattern. Variants in RYR1 can also cause other myopathies inherited in an autosomal dominant pattern or in an autosomal recessive pattern. Some of these disorders may predispose individuals to malignant hyperthermia. RYR1 variants may also contribute to a malignant hyperthermia reaction in combination with other genetic and non-genetic factors and the clinician needs to consider such factors in making management decisions. This sequence variant predicts a substitution of valine with leucine at codon 4324 of the RYR1 protein, p.(Val4234Leu); c.12700G>C. This variant was not present in a large population database (gnomAD) at the time this variant was interpreted. This variant has been reported in eight unrelated individuals who have a personal or family history of a malignant hyperthermia reaction, seven of these individuals had a positive in vitro contracture test (IVCT) or caffeine halothane contracture test (CHCT) result (if the proband was unavailable for testing, a positive diagnostic test result in a mutation-positive relative was counted), PS4 (PMID: 30236257, 12208234, 21965348, 28290972, personal communication). This variant segregates with MHS in nine meiosis, PP1_Strong (personal communication). No functional studies were identified for this variant. This variant does not reside in a hotspot for pathogenic variants that contribute to MHS. A REVEL score >0.85 (0.89) supports a pathogenic status for this variant, PP3_Moderate. This variant has been classified as Pathogenic. Criteria implemented: PS4, PP1_Strong, PP3_Moderate.

Women's Health and Genetics/Laboratory Corporation of America, LabCorp
Classification: Pathogenic for Malignant hyperthermia of anesthesia. Last evaluated: 2025-07-25. Review status: criteria provided, single submitter. Criteria: LabCorp Variant Classification Summary - May 2015. Collection method: clinical testing. Allele origin: germline. Not counted in ClinVar's aggregate classification.
Comment: Variant summary: RYR1 c.12700G>C (p.Val4234Leu) results in a conservative amino acid change in the encoded protein sequence. Algorithms developed to predict the effect of missense changes on protein structure and function are either unavailable or do not agree on the potential impact of this missense change. The frequency data for this variant in gnomAD is considered unreliable, as metrics indicate poor data quality at this position. c.12700G>C has been observed in multiple individuals affected with Malignant Hyperthermia Susceptibility (e.g., Galli_2002, Miller_2018). These data indicate that the variant is very likely to be associated with disease. The following publications have been ascertained in the context of this evaluation (PMID: 12208234, 30236257). ClinVar contains an entry for this variant (Variation ID: 133040). Based on the evidence outlined above, the variant was classified as pathogenic.

PreventionGenetics, part of Exact Sciences
Classification: Likely pathogenic for RYR1-related condition. Last evaluated: 2025-01-13. Review status: criteria provided, single submitter. Criteria: ACMG Guidelines, 2015. Collection method: clinical testing. Allele origin: germline. Not counted in ClinVar's aggregate classification.
Comment: The RYR1 c.12700G>C variant is predicted to result in the amino acid substitution p.Val4234Leu. This variant has been reported in multiple individuals with malignant hyperthermia (MH) susceptibility (see for examples, Galli et al. 2002. PubMed ID: 12208234; Lee et al. 2017. PubMed ID: 28290972; Miller et al. 2018. PubMed ID: 30236257; Chang et al. 2019. PubMed ID: 30916033). This variant has not been reported in a large population database (gnomAD), indicating it is rare. This variant occurs in a C-terminal domain, proposed to be a hot-spot for autosomal dominant MH and central core disease-causing variants (Witherspoon et al. 2016. PubMedID: 27855725). A different nucleotide substitution predicted to result in the same amino acid change (c.12700G>T; p.Val4234Leu) has been reported in individuals with MH susceptibility and/or a family history of MH (Kim et al 2013. PubMed ID: 24013571; Miller DM et al 2018. PubMed ID: 30236257). The c.12700G>C (p.Val4234Leu) variant has been classified as likely pathogenic by a malignant hyperthermia expert panel in ClinVar. Taken together, this variant is interpreted as likely pathogenic for malignant hyperthermia, and it is interpreted as a variant of uncertain significance for RYR1-related myopathy.

Color Diagnostics, LLC DBA Color Health
Classification: Likely pathogenic for Malignant hyperthermia, susceptibility to, 1. Last evaluated: 2024-05-06. Review status: criteria provided, single submitter. Criteria: ACMG Guidelines, 2015. Collection method: clinical testing. Allele origin: germline. Not counted in ClinVar's aggregate classification.
Comment: This missense variant replaces valine with leucine at codon 4234 of the RYR1 protein. Computational prediction suggests that this variant may have deleterious impact on protein structure and function. To our knowledge, functional studies have not been reported for this variant. This variant has been reported in at least 10 individuals affected with malignant hyperthermia susceptibility (PMID: 12208234, 16835904, 19191333, 20681998, 21965348, 22696611, 24013571, 24053352, 28290972, 30236257, 30916033, 37873543). This variant has been reported to segregate with malignant hyperthermia susceptibility in nine meiosis in family studies (ClinVar: SCV001653555.1). This variant has not been identified in the general population by the Genome Aggregation Database (gnomAD). Based on the available evidence, this variant is classified as Likely Pathogenic.

All of Us Research Program, National Institutes of Health
Classification: Likely pathogenic for Malignant hyperthermia, susceptibility to, 1. Last evaluated: 2023-12-18. Review status: criteria provided, single submitter. Criteria: ACMG Guidelines, 2015. Collection method: clinical testing. Allele origin: germline. Inheritance: Autosomal dominant inheritance. Observed: 1 variant allele, 1 heterozygote. Not counted in ClinVar's aggregate classification.
Comment: This missense variant replaces valine with leucine at codon 4234 of the RYR1 protein. Computational prediction suggests that this variant may have deleterious impact on protein structure and function (internally defined REVEL score threshold >= 0.7, PMID: 27666373). To our knowledge, functional studies have not been reported for this variant. This variant has been reported in at least 10 individuals affected with malignant hyperthermia susceptibility (PMID: 12208234, 16835904, 19191333, 20681998, 21965348, 22696611, 24013571, 24053352, 28290972, 30236257, 30916033). This variant has been reported to segregate with malignant hyperthermia susceptibility in nine meiosis in family studies (ClinVar: SCV001653555.1). This variant has not been identified in the general population by the Genome Aggregation Database (gnomAD). Based on the available evidence, this variant is classified as Likely Pathogenic.

This study involves interpretation of variants in research participants for the purpose of population health screening. Participant phenotype was not available at the time of variant classification. Additional details can be found in publication PMID: 35346344, PMCID: PMC8962531

Labcorp Genetics (formerly Invitae), Labcorp
Classification: Pathogenic for RYR1-related disorder. Last evaluated: 2023-10-27. Review status: criteria provided, single submitter. Criteria: Invitae Variant Classification Sherloc (09022015). Collection method: clinical testing. Allele origin: germline. Not counted in ClinVar's aggregate classification.
Comment: This sequence change replaces valine, which is neutral and non-polar, with leucine, which is neutral and non-polar, at codon 4234 of the RYR1 protein (p.Val4234Leu). This variant is not present in population databases (gnomAD no frequency). This missense change has been observed in individual(s) with malignant hyperthermia susceptibility (PMID: 12208234, 24013571, 30236257). It has also been observed to segregate with disease in related individuals. ClinVar contains an entry for this variant (Variation ID: 133040). Advanced modeling of protein sequence and biophysical properties (such as structural, functional, and spatial information, amino acid conservation, physicochemical variation, residue mobility, and thermodynamic stability) has been performed at Invitae for this missense variant, however the output from this modeling did not meet the statistical confidence thresholds required to predict the impact of this variant on RYR1 protein function. For these reasons, this variant has been classified as Pathogenic.

Molecular Genetics, Royal Melbourne Hospital
Classification: Likely pathogenic for Malignant hyperthermia, susceptibility to, 1. Last evaluated: 2023-03-30. Review status: criteria provided, single submitter. Criteria: ACMG Guidelines, 2015. Collection method: clinical testing. Allele origin: germline. Affected: yes. Not counted in ClinVar's aggregate classification.
Comment: This sequence change is predicted to replace valine with leucine at codon 4234 in exon 91 of the RYR1 protein, p.(Val4234Leu). The valine residue is highly conserved (100 vertebrates, UCSC), and is located in the RYR1 channel and acitvation core. There is a small physicochemical difference between valine and leucine. The variant is absent in a large population cohort (gnomAD v2.1 and v3.1). The variant has been identified in at least four individuals with malignant hyperthermia susceptibility (MHS) or a family history of MHS confirmed by a positive in vitro contracture test, and segregates with MHS (PMID: 20681998, 24053352, 28290972; ClinVar: SCV001653555.1, Royal Melbourne Hospital). Multiple lines of computational evidence have conflicting predictions for the missense substitution (3/5 algorithms predict deleterious). The same amino acid change (p.Val4234Leu), resulting from a different nucleotide change c.12700G>T, has been reported in individuals with MHS (PMID: 24013571, 30236257; ClinVar ID: 1071064). Based on the classification scheme RMH Modified ACMG Guidelines v1.5.1, this variant is classified as LIKELY PATHOGENIC. Following criteria are met: PP1_Strong, PS4_Moderate.

RYR1 database
No classification provided. Review status: no classification provided. Collection method: not provided. Allele origin: unknown. Not counted in ClinVar's aggregate classification.

Literature cited by the submitters: PubMed 12208234 (cited by 4 submitters); PubMed 30236257 (cited by 5 submitters); PubMed 16835904 (cited by Color Diagnostics, LLC DBA Color Health and All of Us Research Program, National Institutes of Health); PubMed 19191333 (cited by Color Diagnostics, LLC DBA Color Health and All of Us Research Program, National Institutes of Health); PubMed 20681998 (cited by 3 submitters); PubMed 21965348 (cited by Color Diagnostics, LLC DBA Color Health and All of Us Research Program, National Institutes of Health); PubMed 22696611 (cited by Color Diagnostics, LLC DBA Color Health and All of Us Research Program, National Institutes of Health); PubMed 24013571 (cited by 4 submitters); PubMed 24053352 (cited by 3 submitters); PubMed 28290972 (cited by 3 submitters); PubMed 30916033 (cited by Color Diagnostics, LLC DBA Color Health and All of Us Research Program, National Institutes of Health); PubMed 37873543 (cited by Color Diagnostics, LLC DBA Color Health).